The following is an entry in ClinVar:

ClinVar aggregate classification (germline): Conflicting classifications of pathogenicity. Review status: criteria provided, conflicting classifications (1 of 4 stars). 2 submissions from 2 submitters: Likely pathogenic (1); Uncertain significance (1). Last evaluated 2026-07-01.

Conditions:
Glycogen storage disease, type II (IOPD). Also called: CARDIOMEGALIA GLYCOGENICA DIFFUSA; GLYCOGENOSIS, GENERALIZED, CARDIAC FORM; GSD II; Glycogen storage disease type 2; Acid maltase deficiency disease; Aglucosidase alfa. Identifiers: Orphanet 365, MedGen C0017921, MONDO:0009290, OMIM 232300.

Submissions (2):

Genomenon, Inc
Classification: Uncertain significance for Glycogen storage disease, type II. Last evaluated: 2026-07-01. Review status: criteria provided, single submitter. Criteria: Genomenon Sequence Variant Interpretation Standards - Updated. Collection method: curation. Allele origin: germline. Affected: yes.
Comment: GAA c.2331+4A>G is an intronic variant located in the donor splice region of intron 16. This variant has been observed in at least one proband with a GAA-related disorder in the compound heterozygous and/or homozygous state (PMID:16838077). Splicing studies have been reported (PMID:16838077). It is absent or not present at a significant frequency in gnomAD. In silico models predict that this variant is possibly or probably damaging. In conclusion, we classify GAA c.2331+4A>G as a variant of uncertain significance.

Baylor Genetics
Classification: Likely pathogenic for Glycogen storage disease, type II. Last evaluated: 2022-04-26. Review status: criteria provided, single submitter. Criteria: ACMG Guidelines, 2015. Collection method: clinical testing. Allele origin: unknown.

Literature cited by the submitters: PubMed 16838077 (cited by Genomenon, Inc).

NM_000152.5(GAA):c.2331+4A>G

Gene: GAA (alpha glucosidase; plus strand). Cytogenetic location: 17q25.3.
Variant type: single nucleotide variant.
Coding change: c.2331+4A>G on transcript NM_000152.5 (MANE Select); 4 bases into the intron after coding-DNA position 2331, A replaced by G.
Molecular consequence: intron variant.
Genome position (GRCh38, 1-based): chr17:80,117,113, A>G. VCF-style: chr17-80117113-A-G. GRCh37 (hg19) VCF-style: chr17-78090912-A-G.
Other names: c.2331+4A>G (NM_001406741.1, NM_001406742.1, NM_001079803.3 and 1 more transcripts).
Identifiers: ClinVar variation 2675791 (VCV002675791.2), dbSNP rs2039371081, ClinGen allele CA658795284.